The following is an entry in ClinVar:

ClinVar aggregate classification (germline): Conflicting classifications of pathogenicity. Review status: criteria provided, conflicting classifications (1 of 4 stars). 2 submissions from 2 submitters: Uncertain significance (1); Likely benign (1). Last evaluated 2022-10-13.

Conditions:
Short-rib thoracic dysplasia 13 with or without polydactyly (SRTD13). Identifiers: Orphanet 474, MedGen C4225378, MONDO:0014577, OMIM 616300.

Allele frequency attached by ClinVar (database versions not stated): ExAC 0.00002; gnomAD exomes 0.00002; gnomAD 0.00003 and 0.00005; TOPMed 0.00004; ESP Exome Variant Server 0.00008.
gnomAD v4.1: 41 of 1,605,614 alleles (0.0026%); highest among the groups gnomAD compares: Middle Eastern, 0.13%; 1 homozygote.

Submissions (2):

Blueprint Genetics
Classification: Likely benign. Last evaluated: 2022-10-13. Review status: criteria provided, single submitter. Criteria: ACMG Guidelines, 2015. Collection method: clinical testing. Allele origin: germline.

Labcorp Genetics (formerly Invitae), Labcorp
Classification: Uncertain significance for Short-rib thoracic dysplasia 13 with or without polydactyly. Last evaluated: 2022-08-19. Review status: criteria provided, single submitter. Criteria: Invitae Variant Classification Sherloc (09022015). Collection method: clinical testing. Allele origin: germline.
Comment: This sequence change falls in intron 17 of the CEP120 gene. It does not directly change the encoded amino acid sequence of the CEP120 protein. It affects a nucleotide within the consensus splice site. This variant is present in population databases (rs373782883, gnomAD 0.004%). This variant has not been reported in the literature in individuals affected with CEP120-related conditions. ClinVar contains an entry for this variant (Variation ID: 1521987). Variants that disrupt the consensus splice site are a relatively common cause of aberrant splicing (PMID: 17576681, 9536098). Algorithms developed to predict the effect of sequence changes on RNA splicing suggest that this variant is not likely to affect RNA splicing. In summary, the available evidence is currently insufficient to determine the role of this variant in disease. Therefore, it has been classified as a Variant of Uncertain Significance.

Literature cited by the submitters: PubMed 17576681 (cited by Labcorp Genetics (formerly Invitae), Labcorp); PubMed 9536098 (cited by Labcorp Genetics (formerly Invitae), Labcorp).

NM_001375405.1(CEP120):c.2358+3T>G

Gene: CEP120 (centrosomal protein 120; minus strand). Cytogenetic location: 5q23.2.
Variant type: single nucleotide variant.
Coding change: c.2358+3T>G on transcript NM_001375405.1 (MANE Select); 3 bases into the intron after coding-DNA position 2358, T replaced by G.
Molecular consequence: intron variant.
Genome position (GRCh38, 1-based): chr5:123,377,371, A>C on the plus strand (T>G on the coding strand, the complement: CEP120 is on the minus strand). VCF-style: chr5-123377371-A-C. GRCh37 (hg19) VCF-style: chr5-122713065-A-C.
Other names: c.2280+3T>G (NM_001166226.2); c.2358+3T>G (NM_153223.4, NM_001375407.1); c.1785+3T>G (NM_001375408.1, NM_001375409.1); c.2223+3T>G (NM_001375406.1).
Identifiers: ClinVar variation 1521987 (VCV001521987.4), dbSNP rs373782883, ClinGen allele CA3386654.